The following is an entry in ClinVar:

NM_005219.5(DIAPH1):c.1859_1860insCCCTCC (p.Pro620_Leu621insProPro)

Gene: DIAPH1 (diaphanous related formin 1; minus strand). Cytogenetic location: 5q31.3.
Variant type: Insertion.
Coding change: c.1859_1860insCCCTCC on transcript NM_005219.5 (MANE Select); coding-DNA positions 1859 to 1860, CCCTCC inserted.
Protein change: p.Pro620_Leu621insProPro.
Molecular consequence: inframe insertion.
Genome position: GRCh38 VCF-style: chr5-141573990-A-AGGAGGG. GRCh37 (hg19) VCF-style: chr5-140953557-A-AGGAGGG.
Other names: c.1832_1833insCCCTCC, p.Pro611_Leu612insProPro (NM_001079812.3); c.1859_1860insCCCTCC, p.Pro620_Leu621insProPro (NM_001314007.2).
Identifiers: ClinVar variation 1993883 (VCV001993883.4), dbSNP rs2513741246, ClinGen allele CA1082278911.

ClinVar aggregate classification (germline): Uncertain significance (1 of 4 stars; one submission).

Conditions:
Progressive microcephaly-seizures-cortical blindness-developmental delay syndrome. Also called: Seizures, cortical blindness, and microcephaly syndrome. Identifiers: Orphanet 477814, MedGen C5567650, MONDO:0014714, OMIM 616632.
Autosomal dominant nonsyndromic hearing loss 1. Also called: KONIGSMARK SYNDROME; DEAFNESS, AUTOSOMAL DOMINANT 1, WITH OR WITHOUT THROMBOCYTOPENIA. Identifiers: Orphanet 90635, MedGen C1852282, MONDO:0007424, OMIM 124900.

Submission:

Labcorp Genetics (formerly Invitae), Labcorp
Classification: Uncertain significance for Progressive microcephaly-seizures-cortical blindness-developmental delay syndrome; Autosomal dominant nonsyndromic hearing loss 1. Last evaluated: 2022-06-22. Review status: criteria provided, single submitter. Criteria: Invitae Variant Classification Sherloc (09022015). Collection method: clinical testing. Allele origin: germline.
Comment: In summary, the available evidence is currently insufficient to determine the role of this variant in disease. Therefore, it has been classified as a Variant of Uncertain Significance. Algorithms developed to predict the effect of sequence changes on RNA splicing suggest that this variant may disrupt the consensus splice site. This variant has not been reported in the literature in individuals affected with DIAPH1-related conditions. This variant is not present in population databases (gnomAD no frequency). This variant, c.1859_1860insCCCTCC, results in the insertion of 2 amino acid(s) of the DIAPH1 protein (p.Pro619_Pro620dup), but otherwise preserves the integrity of the reading frame.